The following is an entry in ClinVar:

ClinVar aggregate classification (germline): Uncertain significance (1 of 4 stars; one submission).

gnomAD v4.1: 10 of 1,563,864 alleles (0.00064%); highest among the groups gnomAD compares: South Asian, 0.0012%; no homozygotes.

Submission:

Labcorp Genetics (formerly Invitae), Labcorp
Classification: Uncertain significance. Last evaluated: 2025-06-12. Review status: criteria provided, single submitter. Criteria: Invitae Variant Classification Sherloc (09022015). Collection method: clinical testing. Allele origin: germline.
Comment: This sequence change replaces alanine, which is neutral and non-polar, with threonine, which is neutral and polar, at codon 167 of the IGF2 protein (p.Ala167Thr). The frequency data for this variant in the population databases is considered unreliable, as metrics indicate poor data quality at this position in the gnomAD database. This variant has not been reported in the literature in individuals affected with IGF2-related conditions. ClinVar contains an entry for this variant (Variation ID: 3677467). An algorithm developed to predict the effect of missense changes on protein structure and function outputs the following: PolyPhen-2: "Benign". The threonine amino acid residue is found in multiple mammalian species, which suggests that this missense change does not adversely affect protein function. In summary, the available evidence is currently insufficient to determine the role of this variant in disease. Therefore, it has been classified as a Variant of Uncertain Significance.

NM_000612.6(IGF2):c.499G>A (p.Ala167Thr)

Genes: IGF2 (insulin like growth factor 2; minus strand), INS-IGF2 (INS-IGF2 readthrough; minus strand). Cytogenetic location: 11p15.5.
Variant type: single nucleotide variant.
Coding change: c.499G>A on transcript NM_000612.6 (MANE Select); coding-DNA position 499, G replaced by A.
Protein change: p.Ala167Thr; replaces alanine 167 with threonine.
Molecular consequence: missense variant. On other transcripts: non-coding transcript variant (1).
Genome position (GRCh38, 1-based): chr11:2,133,031, C>T on the plus strand (G>A on the coding strand, the complement: IGF2 is on the minus strand). VCF-style: chr11-2133031-C-T. GRCh37 (hg19) VCF-style: chr11-2154261-C-T.
Other names: c.499G>A, p.Ala167Thr (NM_001007139.6, NM_001291861.3, NM_001291862.3); c.667G>A, p.Ala223Thr (NM_001127598.3); short protein forms A223T, A167T.
Identifiers: ClinVar variation 3677467 (VCV003677467.2).